The following is an entry in ClinVar:

ClinVar aggregate classification (germline): Uncertain significance. Review status: criteria provided, multiple submitters, no conflicts (2 of 4 stars). 2 submissions from 2 submitters: Uncertain significance (2). Last evaluated 2021-03-08.

Conditions:
3-methylglutaconic aciduria type 1 (MGCA1). Identifiers: Orphanet 67046, MedGen C0342727, MONDO:0009610, OMIM 250950.

Allele frequency attached by ClinVar (database versions not stated): TOPMed below 0.00001.
gnomAD v4.1: 3 of 1,577,244 alleles (0.00019%); highest among the groups gnomAD compares: Non-Finnish European, 0.00026%; no homozygotes.

Submissions (2):

Labcorp Genetics (formerly Invitae), Labcorp
Classification: Uncertain significance for 3-methylglutaconic aciduria type 1. Last evaluated: 2021-03-08. Review status: criteria provided, single submitter. Criteria: Invitae Variant Classification Sherloc (09022015). Collection method: clinical testing. Allele origin: germline.
Comment: In summary, the available evidence is currently insufficient to determine the role of this variant in disease. Therefore, it has been classified as a Variant of Uncertain Significance. Algorithms developed to predict the effect of missense changes on protein structure and function (SIFT, PolyPhen-2, Align-GVGD) all suggest that this variant is likely to be tolerated, but these predictions have not been confirmed by published functional studies and their clinical significance is uncertain. This variant has not been reported in the literature in individuals with AUH-related conditions. ClinVar contains an entry for this variant (Variation ID: 547911). This variant is not present in population databases (ExAC no frequency). This sequence change replaces methionine with leucine at codon 71 of the AUH protein (p.Met71Leu). The methionine residue is weakly conserved and there is a small physicochemical difference between methionine and leucine.

Mayo Clinic Laboratories, Mayo Clinic
Classification: Uncertain significance for 3-methylglutaconic aciduria type 1. Last evaluated: 2017-02-10. Review status: criteria provided, single submitter. Criteria: ACMG Guidelines, 2015. Collection method: clinical testing. Allele origin: paternal.

NM_001698.3(AUH):c.211A>C (p.Met71Leu)

Genes: AUH (AU RNA binding methylglutaconyl-CoA hydratase; minus strand), LOC130002059 (ATAC-STARR-seq lymphoblastoid silent region 20025; plus strand). Cytogenetic location: 9q22.31.
Variant type: single nucleotide variant.
Coding change: c.211A>C on transcript NM_001698.3 (MANE Select); coding-DNA position 211, A replaced by C.
Protein change: p.Met71Leu; replaces methionine 71 with leucine.
Molecular consequence: missense variant. On other transcripts: 5 prime UTR variant (3).
Genome position (GRCh38, 1-based): chr9:91,361,679, T>G on the plus strand (A>C on the coding strand, the complement: AUH is on the minus strand). VCF-style: chr9-91361679-T-G. GRCh37 (hg19) VCF-style: chr9-94123961-T-G.
Other names: c.211A>C, p.Met71Leu (NM_001306190.2); c.-187A>C (NM_001351431.2, NM_001351433.2); c.-279A>C (NM_001351432.2); short protein forms M71L.
Identifiers: ClinVar variation 547911 (VCV000547911.11), dbSNP rs756127206, ClinGen allele CA373836285.